The following is an entry in ClinVar:

ClinVar aggregate classification (germline): Benign (1 of 4 stars; one submission).

Conditions:
Gaze palsy, familial horizontal, with progressive scoliosis 1 (HGPPS1). Identifiers: Orphanet 2744, MedGen C4551964, MONDO:0020790, OMIM 607313.

Allele frequency attached by ClinVar (database versions not stated): gnomAD exomes 0.00068; 1000 Genomes Project 0.00639; 1000 Genomes Project 30x 0.00703; gnomAD 0.00753 and 0.00820; TOPMed 0.00852.
gnomAD v4.1: 1,772 of 1,003,294 alleles (0.18%); highest among the groups gnomAD compares: African/African-American, 2.5%; 28 homozygotes.

Submission:

Illumina Laboratory Services, Illumina
Classification: Benign for Gaze palsy, familial horizontal, with progressive scoliosis 1. Last evaluated: 2018-01-13. Review status: criteria provided, single submitter. Criteria: ICSL Variant Classification Criteria 13 December 2019. Collection method: clinical testing. Allele origin: germline.
Comment: This variant was observed in the ICSL laboratory as part of a predisposition screen in an ostensibly healthy population. It had not been previously curated by ICSL or reported in the Human Gene Mutation Database (HGMD: prior to June 1st, 2018), and was therefore a candidate for classification through an automated scoring system. Utilizing variant allele frequency, disease prevalence and penetrance estimates, and inheritance mode, an automated score was calculated to assess if this variant is too frequent to cause the disease. Based on the score and internal cut-off values, a variant classified as benign is not then subjected to further curation. The score for this variant resulted in a classification of benign for this disease.

NM_022370.4(ROBO3):c.-120G>C

Gene: ROBO3 (roundabout guidance receptor 3; plus strand). Cytogenetic location: 11q24.2.
Variant type: single nucleotide variant.
Coding change: c.-120G>C on transcript NM_022370.4 (MANE Select); 120 bases upstream of the start codon, G replaced by C.
Molecular consequence: 5 prime UTR variant.
Genome position (GRCh38, 1-based): chr11:124,865,458, G>C. VCF-style: chr11-124865458-G-C. GRCh37 (hg19) VCF-style: chr11-124735354-G-C.
Identifiers: ClinVar variation 303216 (VCV000303216.5), dbSNP rs185584218, ClinGen allele CA10633907.